The following is an entry in ClinVar:

ClinVar aggregate classification (germline): Uncertain significance. Review status: criteria provided, multiple submitters, no conflicts (2 of 4 stars). 3 submissions from 3 submitters: Uncertain significance (3). Last evaluated 2023-05-19.

Allele frequency attached by ClinVar (database versions not stated): ExAC 0.00001; gnomAD 0.00001; gnomAD exomes 0.00001; TOPMed 0.00001.
gnomAD v4.1: 8 of 1,614,170 alleles (0.0005%); highest among the groups gnomAD compares: Admixed American, 0.0067%; no homozygotes.

Submissions (3):

GeneDx
Classification: Uncertain significance. Last evaluated: 2023-05-19. Review status: criteria provided, single submitter. Criteria: GeneDx Variant Classification Process June 2021. Collection method: clinical testing. Allele origin: germline. Affected: yes.
Comment: Not observed at significant frequency in large population cohorts (gnomAD); Missense variant in a gene in which most reported pathogenic variants are truncating/loss-of-function; Has not been previously published as pathogenic or benign to our knowledge; This variant is associated with the following publications: (PMID: 23975875)

Revvity Omics, Revvity
Classification: Uncertain significance. Last evaluated: 2021-03-22. Review status: criteria provided, single submitter. Criteria: ACMG Guidelines, 2015. Collection method: clinical testing. Allele origin: germline.

Eurofins Ntd Llc (ga)
Classification: Uncertain significance. Last evaluated: 2018-03-13. Review status: criteria provided, single submitter. Criteria: EGL ClinVar v180209 classification definitions. Collection method: clinical testing. Allele origin: germline. Observed: 1 variant allele, 1 heterozygote.

NM_001267550.2(TTN):c.9401A>G (p.Asn3134Ser)

Gene: TTN (titin; minus strand). Cytogenetic location: 2q31.2.
Variant type: single nucleotide variant.
Coding change: c.9401A>G on transcript NM_001267550.2 (MANE Select); coding-DNA position 9401, A replaced by G.
Protein change: p.Asn3134Ser; replaces asparagine 3134 with serine.
Molecular consequence: missense variant.
Genome position (GRCh38, 1-based): chr2:178,767,829, T>C on the plus strand (A>G on the coding strand, the complement: TTN is on the minus strand). VCF-style: chr2-178767829-T-C. GRCh37 (hg19) VCF-style: chr2-179632556-T-C.
Other names: c.9401A>G, p.Asn3134Ser (NM_001256850.1, NM_133378.4, NM_133379.5); c.9263A>G, p.Asn3088Ser (NM_003319.4, NM_133432.3, NM_133437.4); c.9401A>G (NM_001267550.1); short protein forms N3134S, N3088S.
Identifiers: ClinVar variation 596411 (VCV000596411.9), dbSNP rs777759635, ClinGen allele CA2004346.